The following is an entry in ClinVar:

ClinVar aggregate classification (germline): Uncertain significance. Review status: criteria provided, multiple submitters, no conflicts (2 of 4 stars). 2 submissions from 2 submitters: Uncertain significance (2). Last evaluated 2025-10-25.

Conditions:
Inborn genetic diseases. Identifiers: MedGen C0950123, MeSH D030342.

Submissions (2):

Ambry Genetics
Classification: Uncertain significance for Inborn genetic diseases. Last evaluated: 2025-10-25. Review status: criteria provided, single submitter. Criteria: Ambry Variant Classification Scheme 2023. Collection method: clinical testing. Allele origin: germline.

Labcorp Genetics (formerly Invitae), Labcorp
Classification: Uncertain significance. Last evaluated: 2022-04-23. Review status: criteria provided, single submitter. Criteria: Invitae Variant Classification Sherloc (09022015). Collection method: clinical testing. Allele origin: germline.
Comment: This sequence change replaces proline, which is neutral and non-polar, with arginine, which is basic and polar, at codon 194 of the CNGB1 protein (p.Pro194Arg). This variant is not present in population databases (gnomAD no frequency). This variant has not been reported in the literature in individuals affected with CNGB1-related conditions. Algorithms developed to predict the effect of missense changes on protein structure and function (SIFT, PolyPhen-2, Align-GVGD) all suggest that this variant is likely to be tolerated. In summary, the available evidence is currently insufficient to determine the role of this variant in disease. Therefore, it has been classified as a Variant of Uncertain Significance.

NM_001297.5(CNGB1):c.581C>G (p.Pro194Arg)

Gene: CNGB1 (cyclic nucleotide gated channel subunit beta 1; minus strand). Cytogenetic location: 16q21.
Variant type: single nucleotide variant.
Coding change: c.581C>G on transcript NM_001297.5 (MANE Select); coding-DNA position 581, C replaced by G.
Protein change: p.Pro194Arg; replaces proline 194 with arginine.
Molecular consequence: missense variant. On other transcripts: intron variant (1).
Genome position (GRCh38, 1-based): chr16:57,960,484, G>C on the plus strand (C>G on the coding strand, the complement: CNGB1 is on the minus strand). VCF-style: chr16-57960484-G-C. GRCh37 (hg19) VCF-style: chr16-57994388-G-C.
Other names: c.581C>G (NM_001297.4); c.581C>G, p.Pro194Arg (NM_001135639.2); c.565+16C>G (NM_001286130.2); short protein forms P194R.
Identifiers: ClinVar variation 2087603 (VCV002087603.5), dbSNP rs1272010203, ClinGen allele CA396078020.